The following is an entry in ClinVar:

ClinVar aggregate classification (germline): Pathogenic/Likely pathogenic. Review status: criteria provided, multiple submitters, no conflicts (2 of 4 stars). 3 submissions from 3 submitters: Pathogenic (2); Likely pathogenic (1). Last evaluated 2024-01-20.

Conditions:
Cystinosis. Also called: Cystine diathesis; Cystine storage disease; Cystinoses. Identifiers: Orphanet 213, MedGen C4316899, MONDO:0016239.
Nephropathic cystinosis (CTNS). Also called: CYSTINOSIN, DEFECT OF; LYSOSOMAL CYSTINE TRANSPORT PROTEIN, DEFECT OF; Abderhalden Lignac Kaufmann disease; Abderhalden-Kaufmann-Lignac syndrome. Identifiers: Orphanet 213, Orphanet 411629, MedGen C2931187, MONDO:0100151, OMIM 219800.

Submissions (3):

Baylor Genetics
Classification: Pathogenic for Nephropathic cystinosis. Last evaluated: 2024-01-20. Review status: criteria provided, single submitter. Criteria: ACMG Guidelines, 2015. Collection method: clinical testing. Allele origin: unknown.

Women's Health and Genetics/Laboratory Corporation of America, LabCorp
Classification: Likely pathogenic for Cystinosis. Last evaluated: 2021-12-20. Review status: criteria provided, single submitter. Criteria: LabCorp Variant Classification Summary - May 2015. Collection method: clinical testing. Allele origin: germline.
Comment: Variant summary: CTNS c.870C>G (p.Tyr290X) results in a premature termination codon, predicted to cause a truncation of the encoded protein or absence of the protein due to nonsense mediated decay, which are commonly known mechanisms for disease. Truncations downstream of this position have been classified as pathogenic by our laboratory. The variant was absent in 250904 control chromosomes (gnomAD). c.870C>G has been reported in at least one homozygous individual affected with Cystinosis (example: Shotelersuk_1998). These data indicate that the variant may be associated with disease. To our knowledge, no experimental evidence demonstrating an impact on protein function has been reported. One clinical diagnostic laboratory has submitted clinical-significance assessments for this variant to ClinVar after 2014 and classified the variant as pathogenic. Based on the evidence outlined above, the variant was classified as likely pathogenic.

Laboratory for Molecular Medicine, Mass General Brigham Personalized Medicine
Classification: Pathogenic for Cystinosis. Last evaluated: 2016-05-15. Review status: criteria provided, single submitter. Criteria: LMM Criteria. Collection method: clinical testing. Allele origin: germline. Inheritance: Autosomal recessive inheritance. Observed: 1 variant allele.
Comment: The p.Tyr290X variant in CTNS has been reported in 1 patient with nephropathic c ystinosis in the homozygous state (Shotelersuk 1998) and was absent from large p opulation studies. This nonsense variant leads to a premature termination codon at position 290, which is predicted to lead to a truncated or absent protein. Bi allelic loss of function of the CTNS gene is associated with nephropathic cystin osis. In summary, the p.Tyr290X variant meets our criteria to be classified as p athogenic for nephropathic cystinosis in an autosomal recessive manner based upo n its predicted functional impact, homozygous identification in an affected indi vidual, and absence from controls.

Literature cited by the submitters: PubMed 30609409 (cited by Women's Health and Genetics/Laboratory Corporation of America, LabCorp); PubMed 11708862 (cited by Women's Health and Genetics/Laboratory Corporation of America, LabCorp); PubMed 9792862 (cited by Laboratory for Molecular Medicine, Mass General Brigham Personalized Medicine).

NM_004937.3(CTNS):c.870C>G (p.Tyr290Ter)

Gene: CTNS (cystinosin, lysosomal cystine transporter; plus strand). Cytogenetic location: 17p13.2.
Variant type: single nucleotide variant.
Coding change: c.870C>G on transcript NM_004937.3 (MANE Select); coding-DNA position 870, C replaced by G.
Protein change: p.Tyr290Ter; replaces tyrosine 290 with a stop codon.
Molecular consequence: nonsense.
Genome position (GRCh38, 1-based): chr17:3,659,875, C>G. VCF-style: chr17-3659875-C-G. GRCh37 (hg19) VCF-style: chr17-3563169-C-G.
Other names: c.870C>G, p.Tyr290Ter (NM_001031681.3, NM_001374492.1); c.429C>G, p.Tyr143Ter (NM_001374493.1, NM_001374494.1, NM_001374495.1 and 1 more transcripts); short protein forms Y290*, Y143*.
Identifiers: ClinVar variation 505009 (VCV000505009.7), dbSNP rs776842972, ClinGen allele CA397692982.
Genomic context (GRCh38, chr17:3,659,875, plus strand): 5'-GCCCTCACCGCCCTCCGTCTGTCTGTCCGTCTGTCTGGCCCAGGCCTACATGAACTTTTA[C>G]TACAAAAGCACTGAGGGCTGGAGCATTGGCAACGTGCTCCTGGACTTCACCGGGGGCAGC-3'